The following is an entry in ClinVar:

ClinVar aggregate classification (germline): Uncertain significance (1 of 4 stars; one submission).

Allele frequency attached by ClinVar (database versions not stated): ExAC 0.00005; gnomAD 0.00006; TOPMed 0.00008; gnomAD exomes 0.00009; 1000 Genomes Project 30x 0.00016.
gnomAD v4.1: 150 of 1,551,480 alleles (0.0097%); highest among the groups gnomAD compares: East Asian, 0.044%; no homozygotes.

Submission:

Labcorp Genetics (formerly Invitae), Labcorp
Classification: Uncertain significance. Last evaluated: 2025-01-13. Review status: criteria provided, single submitter. Criteria: Invitae Variant Classification Sherloc (09022015). Collection method: clinical testing. Allele origin: germline.
Comment: This sequence change replaces asparagine, which is neutral and polar, with serine, which is neutral and polar, at codon 1260 of the TET2 protein (p.Asn1260Ser). This variant is present in population databases (rs367866583, gnomAD 0.03%). This variant has not been reported in the literature in individuals affected with TET2-related conditions. ClinVar contains an entry for this variant (Variation ID: 2071604). An algorithm developed to predict the effect of missense changes on protein structure and function (PolyPhen-2) suggests that this variant is likely to be disruptive. In summary, the available evidence is currently insufficient to determine the role of this variant in disease. Therefore, it has been classified as a Variant of Uncertain Significance.

NM_001127208.3(TET2):c.3779A>G (p.Asn1260Ser)

Genes: TET2 (tet methylcytosine dioxygenase 2; plus strand), TET2-AS1 (TET2 antisense RNA 1; minus strand). Cytogenetic location: 4q24.
Variant type: single nucleotide variant.
Coding change: c.3779A>G on transcript NM_001127208.3 (MANE Select); coding-DNA position 3779, A replaced by G.
Protein change: p.Asn1260Ser; replaces asparagine 1260 with serine.
Molecular consequence: missense variant.
Genome position (GRCh38, 1-based): chr4:105,243,754, A>G. VCF-style: chr4-105243754-A-G. GRCh37 (hg19) VCF-style: chr4-106164911-A-G.
Other names: short protein forms N1260S.
Identifiers: ClinVar variation 2071604 (VCV002071604.2), dbSNP rs367866583, ClinGen allele CA3032125.